The following is an entry in ClinVar:

NM_004082.5(DCTN1):c.1128-3C>G

Gene: DCTN1 (dynactin subunit 1; minus strand). Cytogenetic location: 2p13.1.
Variant type: single nucleotide variant.
Coding change: c.1128-3C>G on transcript NM_004082.5 (MANE Select); 3 bases into the intron before coding-DNA position 1128, C replaced by G.
Molecular consequence: intron variant.
Genome position (GRCh38, 1-based): chr2:74,370,348, G>C on the plus strand (C>G on the coding strand, the complement: DCTN1 is on the minus strand). VCF-style: chr2-74370348-G-C. GRCh37 (hg19) VCF-style: chr2-74597475-G-C.
Other names: c.1017-3C>G (NM_001190836.2); c.1059-3C>G (NM_001378992.1); c.1077-3C>G (NM_001378991.1); c.1068-3C>G (NM_001135040.3); c.1107-3C>G (NM_001190837.2); c.726-3C>G (NM_001135041.3, NM_023019.4).
Identifiers: ClinVar variation 654124 (VCV000654124.10), dbSNP rs914567815, ClinGen allele CA50476891.

ClinVar aggregate classification (germline): Uncertain significance. Review status: criteria provided, multiple submitters, no conflicts (2 of 4 stars). 2 submissions from 2 submitters: Uncertain significance (2). Last evaluated 2025-08-24.

Conditions:
Amyotrophic lateral sclerosis type 1 (ALS1). Also called: AMYOTROPHIC LATERAL SCLEROSIS 1, FAMILIAL. Identifiers: Orphanet 803, MedGen C1862939, MONDO:0007103, OMIM 105400.
Perry syndrome. Also called: PARKINSONISM WITH ALVEOLAR HYPOVENTILATION AND MENTAL DEPRESSION. Identifiers: Orphanet 178509, MedGen C1868594, MONDO:0008201, OMIM 168605.
Neuronopathy, distal hereditary motor, type 7B. Also called: Distal Hereditary Motor Neuronopathy Type 7B (dHMN7B); NEURONOPATHY, DISTAL HEREDITARY MOTOR, AUTOSOMAL DOMINANT 14; NEURONOPATHY, DISTAL HEREDITARY MOTOR, HARDING TYPE VIIB; NEUROPATHY, DISTAL HEREDITARY MOTOR, HARDING TYPE VIIB; NEUROPATHY, DISTAL HEREDITARY MOTOR, WITH VOCAL CORD PARALYSIS, HARDING TYPE VIIB; HMN VIIB. Identifiers: Orphanet 139589, MedGen C1843315, MONDO:0011879, OMIM 607641.

Allele frequency attached by ClinVar (database versions not stated): gnomAD 0.00001; TOPMed 0.00001.
gnomAD v4.1: 1 of 1,613,864 alleles (0.000062%); highest among the groups gnomAD compares: Non-Finnish European, 0.000085%; no homozygotes.

Submissions (2):

Labcorp Genetics (formerly Invitae), Labcorp
Classification: Uncertain significance for Amyotrophic lateral sclerosis type 1; Neuronopathy, distal hereditary motor, type 7B; Perry syndrome. Last evaluated: 2025-08-24. Review status: criteria provided, single submitter. Criteria: Invitae Variant Classification Sherloc (09022015). Collection method: clinical testing. Allele origin: germline.
Comment: This sequence change falls in intron 11 of the DCTN1 gene. It does not directly change the encoded amino acid sequence of the DCTN1 protein. It affects a nucleotide within the consensus splice site. This variant is not present in population databases (gnomAD no frequency). This variant has not been reported in the literature in individuals affected with DCTN1-related conditions. ClinVar contains an entry for this variant (Variation ID: 654124). Variants that disrupt the consensus splice site are a relatively common cause of aberrant splicing (PMID: 17576681, 9536098). Algorithms developed to predict the effect of sequence changes on RNA splicing suggest that this variant may disrupt the consensus splice site. In summary, the available evidence is currently insufficient to determine the role of this variant in disease. Therefore, it has been classified as a Variant of Uncertain Significance.

GeneDx
Classification: Uncertain significance. Last evaluated: 2024-11-21. Review status: criteria provided, single submitter. Criteria: GeneDx Variant Classification Process June 2021. Collection method: clinical testing. Allele origin: germline. Affected: yes.
Comment: Not observed at significant frequency in large population cohorts (gnomAD); In silico analysis supports a deleterious effect on splicing; Has not been previously published as pathogenic or benign to our knowledge

Literature cited by the submitters: PubMed 17576681 (cited by Labcorp Genetics (formerly Invitae), Labcorp); PubMed 9536098 (cited by Labcorp Genetics (formerly Invitae), Labcorp).